The following is an entry in ClinVar:

NM_020631.6(PLEKHG5):c.1729G>A (p.Ala577Thr)

Gene: PLEKHG5 (pleckstrin homology and RhoGEF domain containing G5; minus strand). Cytogenetic location: 1p36.31.
Variant type: single nucleotide variant.
Coding change: c.1729G>A on transcript NM_020631.6 (MANE Select); coding-DNA position 1729, G replaced by A.
Protein change: p.Ala577Thr; replaces alanine 577 with threonine.
Molecular consequence: missense variant.
Genome position (GRCh38, 1-based): chr1:6,470,307, C>T on the plus strand (G>A on the coding strand, the complement: PLEKHG5 is on the minus strand). VCF-style: chr1-6470307-C-T. GRCh37 (hg19) VCF-style: chr1-6530367-C-T.
Other names: p.Ala577Thr; c.1729G>A (NM_020631.5); c.1840G>A, p.Ala614Thr (NM_001042663.3, NM_001265592.2); c.1729G>A, p.Ala577Thr (NM_001042664.2, NM_001042665.2, NM_001265594.3 and 1 more transcripts); c.1936G>A, p.Ala646Thr (NM_001265593.2); short protein forms A577T, A646T, A614T.
Identifiers: ClinVar variation 194669 (VCV000194669.22), dbSNP rs143545780, ClinGen allele CA240773.

ClinVar aggregate classification (germline): Uncertain significance. Review status: criteria provided, multiple submitters, no conflicts (2 of 4 stars). 5 submissions from 5 submitters: Uncertain significance (5). Last evaluated 2026-05-01.

Conditions:
PLEKHG5-related disorder. Also called: PLEKHG5-related condition.
Charcot-Marie-Tooth disease recessive intermediate C. Also called: CHARCOT-MARIE-TOOTH NEUROPATHY, RECESSIVE INTERMEDIATE C. Identifiers: Orphanet 369867, MedGen C3809309, MONDO:0014154, OMIM 615376.
Neuronopathy, distal hereditary motor, autosomal recessive 4. Also called: Autosomal recessive lower motor neuron disease with childhood onset; NEUROPATHY, DISTAL HEREDITARY MOTOR, AUTOSOMAL RECESSIVE 4. Identifiers: Orphanet 206580, MedGen C1970211, MONDO:0012608, OMIM 611067.

Allele frequency attached by ClinVar (database versions not stated): gnomAD 0.00004 and 0.00005; TOPMed 0.00006; ESP Exome Variant Server 0.00008.
gnomAD v4.1: 130 of 1,613,902 alleles (0.0081%); highest among the groups gnomAD compares: Middle Eastern, 0.066%; no homozygotes.

Submissions (5):

PreventionGenetics, part of Exact Sciences
Classification: Uncertain significance for PLEKHG5-related condition. Last evaluated: 2026-05-01. Review status: criteria provided, single submitter. Criteria: ACMG Guidelines, 2015. Collection method: clinical testing. Allele origin: germline.
Comment: The PLEKHG5 c.1729G>A variant is predicted to result in the amino acid substitution p.Ala577Thr. To our knowledge, this variant has not been reported in the literature. This variant is reported in 0.039% of alleles in individuals of South Asian descent in gnomAD. At this time, the clinical significance of this variant is uncertain due to the absence of conclusive functional and genetic evidence.

CeGaT Center for Human Genetics Tuebingen
Classification: Uncertain significance. Last evaluated: 2025-08-01. Review status: criteria provided, single submitter. Criteria: CeGaT Center For Human Genetics Tuebingen Variant Classification Criteria Version 2. Collection method: clinical testing. Allele origin: germline. Affected: yes. Observed: 1 variant allele.
Comment: PLEKHG5: PM2, PM3:Supporting, BP4

Mayo Clinic Laboratories, Mayo Clinic
Classification: Uncertain significance. Last evaluated: 2023-10-04. Review status: criteria provided, single submitter. Criteria: ACMG Guidelines, 2015. Collection method: clinical testing. Allele origin: germline. Observed: 1 variant allele.
Comment: BP4, PM2_moderate

Labcorp Genetics (formerly Invitae), Labcorp
Classification: Uncertain significance for Neuronopathy, distal hereditary motor, autosomal recessive 4; Charcot-Marie-Tooth disease recessive intermediate C. Last evaluated: 2022-08-09. Review status: criteria provided, single submitter. Criteria: Invitae Variant Classification Sherloc (09022015). Collection method: clinical testing. Allele origin: germline.
Comment: This sequence change replaces alanine, which is neutral and non-polar, with threonine, which is neutral and polar, at codon 577 of the PLEKHG5 protein (p.Ala577Thr). This variant is present in population databases (rs143545780, gnomAD 0.04%). This variant has not been reported in the literature in individuals affected with PLEKHG5-related conditions. ClinVar contains an entry for this variant (Variation ID: 194669). Algorithms developed to predict the effect of missense changes on protein structure and function output the following: SIFT: "Tolerated"; PolyPhen-2: "Benign"; Align-GVGD: "Class C0". The threonine amino acid residue is found in multiple mammalian species, which suggests that this missense change does not adversely affect protein function. In summary, the available evidence is currently insufficient to determine the role of this variant in disease. Therefore, it has been classified as a Variant of Uncertain Significance.

Eurofins Ntd Llc (ga)
Classification: Uncertain significance. Last evaluated: 2014-06-27. Review status: criteria provided, single submitter. Criteria: EGL Classification Definitions 2015. Collection method: clinical testing. Allele origin: germline. Observed: 1 variant allele, 1 heterozygote.